The following is an entry in ClinVar:

NM_000156.6(GAMT):c.655G>A (p.Asp219Asn)

Gene: GAMT (guanidinoacetate N-methyltransferase; minus strand). Cytogenetic location: 19p13.3.
Variant type: single nucleotide variant.
Coding change: c.655G>A on transcript NM_000156.6 (MANE Select); coding-DNA position 655, G replaced by A.
Protein change: p.Asp219Asn; replaces aspartic acid 219 with asparagine.
Molecular consequence: missense variant.
Genome position (GRCh38, 1-based): chr19:1,397,415, C>T on the plus strand (G>A on the coding strand, the complement: GAMT is on the minus strand). VCF-style: chr19-1397415-C-T. GRCh37 (hg19) VCF-style: chr19-1397414-C-T.
Other names: p.D219N:GAC>AAC; NM_000156.6(GAMT):c.655G>A; p.Asp219Asn; short protein forms D219N.
Identifiers: ClinVar variation 205569 (VCV000205569.23), dbSNP rs753228876, ClinGen allele CA314786.

ClinVar aggregate classification (germline): Uncertain significance. Review status: reviewed by expert panel (3 of 4 stars). 5 submissions from 5 submitters: Uncertain significance (1). 4 of the submissions do not count toward it. Last evaluated 2026-04-20.

Conditions:
Inborn genetic diseases. Identifiers: MedGen C0950123, MeSH D030342.
Cerebral creatine deficiency syndrome. Also called: Creatine deficiency syndromes. Identifiers: Orphanet 79172, MedGen C5244016, MONDO:0000456.
Deficiency of guanidinoacetate methyltransferase (CCDS2). Also called: CEREBRAL CREATINE DEFICIENCY SYNDROME 2; GAMT DEFICIENCY; Guanidinoacetate Methyltransferase (GAMT) Deficiency. Identifiers: Orphanet 382, MedGen C0574080, MONDO:0012999, OMIM 612736.

Allele frequency attached by ClinVar (database versions not stated): gnomAD exomes 0.00015 and 0.00006; TOPMed 0.00009; gnomAD 0.00004; ExAC 0.00011.
gnomAD v4.1: 99 of 1,611,522 alleles (0.0061%); highest among the groups gnomAD compares: Admixed American, 0.048%; no homozygotes.

Submissions (5):

ClinGen Cerebral Creatine Deficiency Syndromes Variant Curation Expert Panel, ClinGen
Classification: Uncertain significance for Deficiency of guanidinoacetate methyltransferase. Last evaluated: 2026-04-20. Review status: reviewed by expert panel. Criteria: ClinGen CCDS ACMG Specifications GAMT V2.0.0. Collection method: curation. Allele origin: germline. Inheritance: Autosomal recessive inheritance.
Comment: The NM_000156.6:c.655G>A variant in GAMT is a missense variant that is predicted to cause the substitution of aspartate for asparagine at amino acid 219 (p.Asp219Asn). To our knowledge, this variant has not been reported in the literature and results of functional studies are unavailable. The highest population minor allele frequency in gnomAD v4.1.0. is 0.0004834 (29/59986 alleles) in the Admixed American population (none of the population data codes are met). The computational predictor REVEL gives a score of 0.293 which is neither above nor below the thresholds predicting a damaging (>0.644) or benign (<0.29) impact on GAMT function. There is a ClinVar entry for this variant (Variation ID: 205569). In summary, this variant meets the criteria to be classified as a variant of uncertain significance for GAMT deficiency. GAMT-specific ACMG/AMP codes met, as specified by the ClinGen Cerebral Creatine Deficiency Syndromes VCEP (Specifications Version 2.0.0): no criteria met. (Classification approved by the ClinGen Creatine Deficiency Syndromes Variant Curation Expert Panel on April 20, 2026).

Ambry Genetics
Classification: Likely benign for Inborn genetic diseases. Last evaluated: 2026-07-16. Review status: criteria provided, single submitter. Criteria: Ambry Variant Classification Scheme 2023. Collection method: clinical testing. Allele origin: germline. Not counted in ClinVar's aggregate classification.

Labcorp Genetics (formerly Invitae), Labcorp
Classification: Likely benign for Cerebral creatine deficiency syndrome. Last evaluated: 2026-02-03. Review status: criteria provided, single submitter. Criteria: Invitae Variant Classification Sherloc (09022015). Collection method: clinical testing. Allele origin: germline. Not counted in ClinVar's aggregate classification.

GeneDx
Classification: Uncertain significance. Last evaluated: 2024-04-25. Review status: criteria provided, single submitter. Criteria: GeneDx Variant Classification Process June 2021. Collection method: clinical testing. Allele origin: germline. Affected: yes. Not counted in ClinVar's aggregate classification.
Comment: Has not been previously published as pathogenic or benign to our knowledge; In silico analysis supports that this missense variant has a deleterious effect on protein structure/function

Natera, Inc.
Classification: Uncertain significance for Guanidinoacetate methyltransferase deficiency. Last evaluated: 2020-01-24. Review status: no assertion criteria provided. Collection method: clinical testing. Allele origin: germline. Not counted in ClinVar's aggregate classification.